The following is an entry in ClinVar:

ClinVar aggregate classification (germline): Uncertain significance (1 of 4 stars; one submission).

Conditions:
Hereditary cancer-predisposing syndrome. Also called: Neoplastic Syndromes, Hereditary; Tumor predisposition; Hereditary neoplastic syndrome; Hereditary Cancer Syndrome. Identifiers: Orphanet 140162, MedGen C0027672, MeSH D009386, MONDO:0015356.

Submission:

Ambry Genetics
Classification: Uncertain significance for Hereditary cancer-predisposing syndrome. Last evaluated: 2026-07-07. Review status: criteria provided, single submitter. Criteria: Ambry Variant Classification Scheme 2023. Collection method: clinical testing. Allele origin: germline.
Comment: The p.P621R variant (also known as c.1862C>G), located in coding exon 5 of the PALB2 gene, results from a C to G substitution at nucleotide position 1862. The proline at codon 621 is replaced by arginine, an amino acid with dissimilar properties. This amino acid position is conserved. In addition, this alteration is predicted to be tolerated by in silico analysis. Based on the available evidence, the clinical significance of this variant remains unclear.

NM_024675.4(PALB2):c.1862C>G (p.Pro621Arg)

Gene: PALB2 (partner and localizer of BRCA2; minus strand). Cytogenetic location: 16p12.2.
Variant type: single nucleotide variant.
Coding change: c.1862C>G on transcript NM_024675.4 (MANE Select); coding-DNA position 1862, C replaced by G.
Protein change: p.Pro621Arg; replaces proline 621 with arginine.
Molecular consequence: missense variant. On other transcripts: intron variant (1).
Genome position (GRCh38, 1-based): chr16:23,630,292, G>C on the plus strand (C>G on the coding strand, the complement: PALB2 is on the minus strand). VCF-style: chr16-23630292-G-C. GRCh37 (hg19) VCF-style: chr16-23641613-G-C.
Other names: c.1802C>G, p.Pro601Arg (NM_001407296.1); c.1862C>G, p.Pro621Arg (NM_001407297.1, NM_001407298.1, NM_001407299.1 and 3 more transcripts); c.977C>G, p.Pro326Arg (NM_001407304.1, NM_001407305.1, NM_001407306.1 and 5 more transcripts); c.74C>G, p.Pro25Arg (NM_001407312.1, NM_001407313.1); c.49-1017C>G (NM_001407314.1); short protein forms P326R, P621R, P25R, P601R.
Identifiers: ClinVar variation 5026164 (VCV005026164.1).